The following is an entry in ClinVar:

NM_004813.4(PEX16):c.461A>G (p.Asp154Gly)

Gene: PEX16 (peroxisomal biogenesis factor 16; minus strand). Cytogenetic location: 11p11.2.
Variant type: single nucleotide variant.
Coding change: c.461A>G on transcript NM_004813.4 (MANE Select); coding-DNA position 461, A replaced by G.
Protein change: p.Asp154Gly; replaces aspartic acid 154 with glycine.
Molecular consequence: missense variant.
Genome position (GRCh38, 1-based): chr11:45,914,684, T>C on the plus strand (A>G on the coding strand, the complement: PEX16 is on the minus strand). VCF-style: chr11-45914684-T-C. GRCh37 (hg19) VCF-style: chr11-45936235-T-C.
Other names: p.Asp154Gly; c.461A>G, p.Asp154Gly (NM_057174.3); c.461A>G (NM_057174.2); short protein forms D154G.
Identifiers: ClinVar variation 500755 (VCV000500755.16), dbSNP rs140695185, ClinGen allele CA5959957.

ClinVar aggregate classification (germline): Conflicting classifications of pathogenicity. Review status: criteria provided, conflicting classifications (1 of 4 stars). 8 submissions from 8 submitters: Uncertain significance (7); Likely benign (1). Last evaluated 2024-11-25.

Conditions:
Peroxisome biogenesis disorder 8A (Zellweger). Also called: Peroxisome biogenesis disorder 8A. Identifiers: Orphanet 912, MedGen C3553959, MONDO:0013942, OMIM 614876.
Peroxisome biogenesis disorder 8B (PBD8B). Identifiers: Orphanet 44, MedGen C3553960, MONDO:0013943, OMIM 614877.
Peroxisome biogenesis disorder. Identifiers: Orphanet 79189, MedGen C1832200, MONDO:0019234. Disease mechanism: loss of function.
PEX16-related disorder. Also called: PEX16-related condition.
Inborn genetic diseases. Identifiers: MedGen C0950123, MeSH D030342.

Allele frequency attached by ClinVar (database versions not stated): gnomAD exomes 0.00006; ExAC 0.00008; gnomAD 0.00025 and 0.00026; 1000 Genomes Project 30x 0.00031; TOPMed 0.00033; ESP Exome Variant Server 0.00038; 1000 Genomes Project 0.00040.
gnomAD v4.1: 108 of 1,613,782 alleles (0.0067%); highest among the groups gnomAD compares: Middle Eastern, 0.15%; no homozygotes.

Submissions (8):

Blueprint Genetics
Classification: Likely benign. Last evaluated: 2024-11-25. Review status: criteria provided, single submitter. Criteria: ACMG Guidelines, 2015. Collection method: clinical testing. Allele origin: germline.

PreventionGenetics, part of Exact Sciences
Classification: Uncertain significance for PEX16-related condition. Last evaluated: 2023-07-18. Review status: criteria provided, single submitter. Criteria: ACMG Guidelines, 2015. Collection method: clinical testing. Allele origin: germline.
Comment: The PEX16 c.461A>G variant is predicted to result in the amino acid substitution p.Asp154Gly. To our knowledge, this variant has not been reported in the literature. This variant is reported in 0.084% of alleles in individuals of African descent in gnomAD, which may be too common to be an undocumented primary cause of disease. Although we suspect that this variant may be benign, at this time, the clinical significance of this variant is uncertain due to the absence of conclusive functional and genetic evidence.

Labcorp Genetics (formerly Invitae), Labcorp
Classification: Uncertain significance for Peroxisome biogenesis disorder. Last evaluated: 2022-10-28. Review status: criteria provided, single submitter. Criteria: Invitae Variant Classification Sherloc (09022015). Collection method: clinical testing. Allele origin: germline.
Comment: This sequence change replaces aspartic acid, which is acidic and polar, with glycine, which is neutral and non-polar, at codon 154 of the PEX16 protein (p.Asp154Gly). This variant is present in population databases (rs140695185, gnomAD 0.09%). This variant has not been reported in the literature in individuals affected with PEX16-related conditions. ClinVar contains an entry for this variant (Variation ID: 500755). Algorithms developed to predict the effect of missense changes on protein structure and function output the following: SIFT: "Deleterious"; PolyPhen-2: "Benign"; Align-GVGD: "Class C0". The glycine amino acid residue is found in multiple mammalian species, which suggests that this missense change does not adversely affect protein function. Algorithms developed to predict the effect of sequence changes on RNA splicing suggest that this variant may disrupt the consensus splice site. In summary, the available evidence is currently insufficient to determine the role of this variant in disease. Therefore, it has been classified as a Variant of Uncertain Significance.

Mayo Clinic Laboratories, Mayo Clinic
Classification: Uncertain significance. Last evaluated: 2022-09-27. Review status: criteria provided, single submitter. Criteria: ACMG Guidelines, 2015. Collection method: clinical testing. Allele origin: germline. Observed: 1 variant allele.
Comment: BP4

Ambry Genetics
Classification: Uncertain significance for Inborn genetic diseases. Last evaluated: 2021-08-09. Review status: criteria provided, single submitter. Criteria: Ambry Variant Classification Scheme 2023. Collection method: clinical testing. Allele origin: germline.

Fulgent Genetics
Classification: Uncertain significance for Peroxisome biogenesis disorder 8A (Zellweger); Peroxisome biogenesis disorder 8B. Last evaluated: 2018-10-31. Review status: criteria provided, single submitter. Criteria: ACMG Guidelines, 2015. Collection method: clinical testing. Allele origin: unknown.

Baylor Genetics
Classification: Uncertain significance for Peroxisome biogenesis disorder 8A (Zellweger). Last evaluated: 2018-05-08. Review status: criteria provided, single submitter. Criteria: ACMG Guidelines, 2015. Collection method: clinical testing. Allele origin: maternal. Affected: yes.
Comment: This variant was determined to be of uncertain significance according to ACMG Guidelines, 2015 [PMID:25741868].

Eurofins Ntd Llc (ga)
Classification: Uncertain significance. Last evaluated: 2017-03-08. Review status: criteria provided, single submitter. Criteria: EGL Classification Definitions 2015. Collection method: clinical testing. Allele origin: germline. Observed: 2 variant alleles, 2 heterozygotes.